The following is an entry in ClinVar:

ClinVar aggregate classification (germline): Likely benign (1 of 4 stars; one submission).

Conditions:
Familial X-linked hypophosphatemic vitamin D refractory rickets (XLHRD). Also called: Hypophosphatemia, vitamin D-resistant rickets; Vitamin D-resistant rickets, X-linked; X-Linked Hypophosphatemia; HYPOPHOSPHATEMIC VITAMIN D-RESISTANT RICKETS; Hypophosphatemic Rickets, X-Linked Dominant. Identifiers: Orphanet 89936, MedGen C0733682, MONDO:0010619, OMIM 307800.

Submission:

Centre for Medical Genetics,  Mumbai
Classification: Likely benign for Familial X-linked hypophosphatemic vitamin D refractory rickets. Last evaluated: 2026-04-09. Review status: criteria provided, single submitter. Criteria: ACMG Guidelines, 2015. Collection method: provider interpretation. Allele origin: germline. Inheritance: Autosomal dominant inheritance. Affected: no. Observed: 1 variant allele, 1 heterozygote.
Comment: The variant satisfies PM2 criteria - extremely low frequency in gnomAD population databases. The variant satisfies PM1 criteria - non-truncating non-synonymous variant is located in a mutational hot spot and/or critical and well-established functional domain. The variant satisfies PP2 criteria - missense variant in a gene with low rate of benign missense mutations and for which missense mutation is a common mechanism of a disease. The variant satisfies PP3 criteria - for a missense or a splicing region variant, computational prediction tools unanimously support a deleterious effect on the gene. However, the variant satisfies BS2 criteria - present in heterozygous state in an individual that clinically does not have Hypophosphatemic rickets, X-linked dominant.

Literature cited by the submitters: PubMed 7550339.

NM_000444.6(PHEX):c.260G>T (p.Gly87Val)

Gene: PHEX (phosphate regulating endopeptidase X-linked; plus strand). Cytogenetic location: Xp22.11.
Variant type: single nucleotide variant.
Coding change: c.260G>T on transcript NM_000444.6 (MANE Select); coding-DNA position 260, G replaced by T.
Protein change: p.Gly87Val; replaces glycine 87 with valine.
Molecular consequence: missense variant.
Genome position (GRCh38, 1-based): chrX:22,047,122, G>T. VCF-style: chrX-22047122-G-T. GRCh37 (hg19) VCF-style: chrX-22065240-G-T.
Other names: c.260G>T, p.Gly87Val (NM_001282754.2); short protein forms G87V.
Identifiers: ClinVar variation 4851342 (VCV004851342.1).